The following is an entry in ClinVar:

ClinVar aggregate classification (germline): Uncertain significance. Review status: criteria provided, multiple submitters, no conflicts (2 of 4 stars). 2 submissions from 2 submitters: Uncertain significance (2). Last evaluated 2025-09-07.

Conditions:
Inborn genetic diseases. Identifiers: MedGen C0950123, MeSH D030342.

Allele frequency attached by ClinVar (database versions not stated): ExAC 0.00002; TOPMed 0.00003.
gnomAD v4.1: 10 of 1,614,002 alleles (0.00062%); highest among the groups gnomAD compares: Admixed American, 0.01%; no homozygotes.

Submissions (2):

Labcorp Genetics (formerly Invitae), Labcorp
Classification: Uncertain significance. Last evaluated: 2025-09-07. Review status: criteria provided, single submitter. Criteria: Invitae Variant Classification Sherloc (09022015). Collection method: clinical testing. Allele origin: germline.
Comment: This sequence change replaces proline, which is neutral and non-polar, with serine, which is neutral and polar, at codon 701 of the NCSTN protein (p.Pro701Ser). This variant is present in population databases (rs756588000, gnomAD 0.01%). This variant has not been reported in the literature in individuals affected with NCSTN-related conditions. ClinVar contains an entry for this variant (Variation ID: 1924145). An algorithm developed to predict the effect of missense changes on protein structure and function (PolyPhen-2) suggests that this variant is likely to be disruptive. In summary, the available evidence is currently insufficient to determine the role of this variant in disease. Therefore, it has been classified as a Variant of Uncertain Significance.

Ambry Genetics
Classification: Uncertain significance for Inborn genetic diseases. Last evaluated: 2024-01-19. Review status: criteria provided, single submitter. Criteria: Ambry Variant Classification Scheme 2023. Collection method: clinical testing. Allele origin: germline.

NM_015331.3(NCSTN):c.2101C>T (p.Pro701Ser)

Gene: NCSTN (nicastrin; plus strand). Cytogenetic location: 1q23.2.
Variant type: single nucleotide variant.
Coding change: c.2101C>T on transcript NM_015331.3 (MANE Select); coding-DNA position 2101, C replaced by T.
Protein change: p.Pro701Ser; replaces proline 701 with serine.
Molecular consequence: missense variant.
Genome position (GRCh38, 1-based): chr1:160,358,242, C>T. VCF-style: chr1-160358242-C-T. GRCh37 (hg19) VCF-style: chr1-160328032-C-T.
Other names: c.2041C>T, p.Pro681Ser (NM_001290184.2); c.1687C>T, p.Pro563Ser (NM_001290186.2); c.1888C>T, p.Pro630Ser (NM_001349729.2); c.2101C>T (NM_015331.2); short protein forms P630S, P563S, P681S, P701S.
Identifiers: ClinVar variation 1924145 (VCV001924145.6), dbSNP rs756588000, ClinGen allele CA1199178.